The following is an entry in ClinVar:

ClinVar aggregate classification (germline): Conflicting classifications of pathogenicity. Review status: criteria provided, conflicting classifications (1 of 4 stars). 4 submissions from 4 submitters: Uncertain significance (1); Likely benign (2). 1 of the submissions does not count toward it. Last evaluated 2026-01-24.

Conditions:
LRP2-related disorder. Also called: LRP2-related condition.
Donnai-Barrow syndrome. Also called: DBS/FOAR SYNDROME; FACIOOCULOACOUSTICORENAL SYNDROME. Identifiers: Orphanet 2143, MedGen C1857277, MONDO:0009104, OMIM 222448.

Allele frequency attached by ClinVar (database versions not stated): gnomAD 0.00007 and 0.00008; TOPMed 0.00009; ExAC 0.00011; gnomAD exomes 0.00011; ESP Exome Variant Server 0.00015.
gnomAD v4.1: 165 of 1,612,872 alleles (0.01%); highest among the groups gnomAD compares: South Asian, 0.036%; 1 homozygote.

Submissions (4):

Labcorp Genetics (formerly Invitae), Labcorp
Classification: Likely benign. Last evaluated: 2026-01-24. Review status: criteria provided, single submitter. Criteria: Invitae Variant Classification Sherloc (09022015). Collection method: clinical testing. Allele origin: germline.

Blueprint Genetics
Classification: Likely benign. Last evaluated: 2024-07-30. Review status: criteria provided, single submitter. Criteria: ACMG Guidelines, 2015. Collection method: clinical testing. Allele origin: germline.

Fulgent Genetics
Classification: Uncertain significance for Donnai-Barrow syndrome. Last evaluated: 2024-04-05. Review status: criteria provided, single submitter. Criteria: ACMG Guidelines, 2015. Collection method: clinical testing. Allele origin: germline.

PreventionGenetics, part of Exact Sciences
Classification: Likely benign for LRP2-related condition. Last evaluated: 2019-07-09. Review status: no assertion criteria provided. Collection method: clinical testing. Allele origin: germline. Not counted in ClinVar's aggregate classification.
Comment: This variant is classified as likely benign based on ACMG/AMP sequence variant interpretation guidelines (Richards et al. 2015 PMID: 25741868, with internal and published modifications).

NM_004525.3(LRP2):c.11925C>T (p.Cys3975=)

Gene: LRP2 (LDL receptor related protein 2; minus strand). Cytogenetic location: 2q31.1.
Variant type: single nucleotide variant.
Coding change: c.11925C>T on transcript NM_004525.3 (MANE Select); coding-DNA position 11925, C replaced by T.
Protein change: p.Cys3975=; no amino-acid change (cysteine 3975 retained).
Molecular consequence: synonymous variant.
Genome position (GRCh38, 1-based): chr2:169,157,465, G>A on the plus strand (C>T on the coding strand, the complement: LRP2 is on the minus strand). VCF-style: chr2-169157465-G-A. GRCh37 (hg19) VCF-style: chr2-170013975-G-A.
Other names: c.11925C>T (NM_004525.2).
Identifiers: ClinVar variation 1541293 (VCV001541293.12), dbSNP rs143815721, ClinGen allele CA1952917.
Genomic context (GRCh38, chr2:169,157,465, plus strand): 5'-GAACCCAGCTGTACAGGAGCAGATAAATCCTCCTTCATTTAATTGGGTACAATTTTGCTC[G>A]CATATATTTTCAGCACATGTTCTTTCTTTTCCTTTATCTGAAAAACAAAATCCCAGCATT-3'
Protein context (NP_004516.2, residues 3965-3985): GKERTCAENI[Cys3975=]EQNCTQLNEG